The following is an entry in ClinVar:

ClinVar aggregate classification (germline): Uncertain significance. Review status: criteria provided, multiple submitters, no conflicts (2 of 4 stars). 3 submissions from 3 submitters: Uncertain significance (3). Last evaluated 2023-02-01.

Conditions:
Nemaline myopathy 2 (NEM2). Also called: Nemaline myopathy 2, autosomal recessive. Identifiers: MedGen C1850569, MONDO:0009725, OMIM 256030.

Allele frequency attached by ClinVar (database versions not stated): ExAC 0.00002; gnomAD 0.00002; gnomAD exomes 0.00003; TOPMed 0.00004.
gnomAD v4.1: 54 of 1,613,822 alleles (0.0033%); highest among the groups gnomAD compares: Non-Finnish European, 0.0044%; no homozygotes.

Submissions (3):

CeGaT Center for Human Genetics Tuebingen
Classification: Uncertain significance. Last evaluated: 2023-02-01. Review status: criteria provided, single submitter. Criteria: CeGaT Center For Human Genetics Tuebingen Variant Classification Criteria Version 2. Collection method: clinical testing. Allele origin: germline. Affected: yes. Observed: 1 variant allele.
Comment: NEB: PM2, BP1, BP4

Labcorp Genetics (formerly Invitae), Labcorp
Classification: Uncertain significance for Nemaline myopathy 2. Last evaluated: 2022-03-18. Review status: criteria provided, single submitter. Criteria: Invitae Variant Classification Sherloc (09022015). Collection method: clinical testing. Allele origin: germline.
Comment: This sequence change replaces lysine, which is basic and polar, with arginine, which is basic and polar, at codon 3099 of the NEB protein (p.Lys3099Arg). This variant is present in population databases (rs759825205, gnomAD 0.004%). This missense change has been observed in individual(s) with clinical features of NEB-related conditions (Invitae). Algorithms developed to predict the effect of missense changes on protein structure and function are either unavailable or do not agree on the potential impact of this missense change (SIFT: "Deleterious"; PolyPhen-2: "Not Available"; Align-GVGD: "Class C0"). Algorithms developed to predict the effect of sequence changes on RNA splicing suggest that this variant may create or strengthen a splice site. In summary, the available evidence is currently insufficient to determine the role of this variant in disease. Therefore, it has been classified as a Variant of Uncertain Significance.

Revvity Omics, Revvity
Classification: Uncertain significance. Last evaluated: 2019-08-09. Review status: criteria provided, single submitter. Criteria: ACMG Guidelines, 2015. Collection method: clinical testing. Allele origin: germline.

NM_001164508.2(NEB):c.9296A>G (p.Lys3099Arg)

Gene: NEB (nebulin; minus strand). Cytogenetic location: 2q23.3.
Variant type: single nucleotide variant.
Coding change: c.9296A>G on transcript NM_001164508.2 (MANE Select); coding-DNA position 9296, A replaced by G.
Protein change: p.Lys3099Arg; replaces lysine 3099 with arginine.
Molecular consequence: missense variant. On other transcripts: intron variant (1).
Genome position (GRCh38, 1-based): chr2:151,633,772, T>C on the plus strand (A>G on the coding strand, the complement: NEB is on the minus strand). VCF-style: chr2-151633772-T-C. GRCh37 (hg19) VCF-style: chr2-152490286-T-C.
Other names: c.9296A>G, p.Lys3099Arg (NM_001164507.2, NM_001271208.2); c.8854-2594A>G (NM_004543.5); short protein forms K3099R.
Identifiers: ClinVar variation 2048533 (VCV002048533.28), dbSNP rs759825205, ClinGen allele CA1909367.